The following is an entry in ClinVar:

ClinVar aggregate classification (germline): Uncertain significance. Review status: criteria provided, multiple submitters, no conflicts (2 of 4 stars). 2 submissions from 2 submitters: Uncertain significance (2). Last evaluated 2025-03-30.

Conditions:
Familial cancer of breast. Also called: BREAST CANCER, FAMILIAL; Hereditary breast cancer; hereditary breast carcinoma. Identifiers: Orphanet 227535, MedGen C0346153, MONDO:0016419, OMIM 114480. Disease mechanism: loss of function.
Hereditary cancer-predisposing syndrome. Also called: Neoplastic Syndromes, Hereditary; Tumor predisposition; Hereditary Cancer Syndrome; Hereditary neoplastic syndrome. Identifiers: Orphanet 140162, MedGen C0027672, MeSH D009386, MONDO:0015356.

gnomAD v4.1: 4 of 1,612,848 alleles (0.00025%); highest among the groups gnomAD compares: Non-Finnish European, 0.00034%; no homozygotes.

Submissions (2):

Ambry Genetics
Classification: Uncertain significance for Hereditary cancer-predisposing syndrome. Last evaluated: 2025-03-30. Review status: criteria provided, single submitter. Criteria: Ambry Variant Classification Scheme 2023. Collection method: clinical testing. Allele origin: germline.
Comment: The p.S184C variant (also known as c.551C>G), located in coding exon 4 of the BARD1 gene, results from a C to G substitution at nucleotide position 551. The serine at codon 184 is replaced by cysteine, an amino acid with dissimilar properties. This amino acid position is well conserved in available vertebrate species. In addition, the in silico prediction for this alteration is inconclusive. Since supporting evidence is limited at this time, the clinical significance of this alteration remains unclear.

Labcorp Genetics (formerly Invitae), Labcorp
Classification: Uncertain significance for Familial cancer of breast. Last evaluated: 2024-10-22. Review status: criteria provided, single submitter. Criteria: Invitae Variant Classification Sherloc (09022015). Collection method: clinical testing. Allele origin: germline.
Comment: This sequence change replaces serine, which is neutral and polar, with cysteine, which is neutral and slightly polar, at codon 184 of the BARD1 protein (p.Ser184Cys). This variant is not present in population databases (gnomAD no frequency). This variant has not been reported in the literature in individuals affected with BARD1-related conditions. ClinVar contains an entry for this variant (Variation ID: 482807). An algorithm developed to predict the effect of missense changes on protein structure and function (PolyPhen-2) suggests that this variant is likely to be disruptive. In summary, the available evidence is currently insufficient to determine the role of this variant in disease. Therefore, it has been classified as a Variant of Uncertain Significance.

NM_000465.4(BARD1):c.551C>G (p.Ser184Cys)

Gene: BARD1 (BRCA1 associated RING domain 1; minus strand). Cytogenetic location: 2q35.
Variant type: single nucleotide variant.
Coding change: c.551C>G on transcript NM_000465.4 (MANE Select); coding-DNA position 551, C replaced by G.
Protein change: p.Ser184Cys; replaces serine 184 with cysteine.
Molecular consequence: missense variant. On other transcripts: non-coding transcript variant (2), intron variant (3).
Genome position (GRCh38, 1-based): chr2:214,781,323, G>C on the plus strand (C>G on the coding strand, the complement: BARD1 is on the minus strand). VCF-style: chr2-214781323-G-C. GRCh37 (hg19) VCF-style: chr2-215646047-G-C.
Other names: c.494C>G, p.Ser165Cys (NM_001282543.2); c.158+28089C>G (NM_001282548.2); c.215+15738C>G (NM_001282545.2); c.364+10974C>G (NM_001282549.2); short protein forms S184C, S165C.
Identifiers: ClinVar variation 482807 (VCV000482807.16), dbSNP rs184660818, ClinGen allele CA350457404.